The following is an entry in ClinVar:

NM_001846.4(COL4A2):c.1339+14A>G

Gene: COL4A2 (collagen type IV alpha 2 chain; plus strand). Cytogenetic location: 13q34.
Variant type: single nucleotide variant.
Coding change: c.1339+14A>G on transcript NM_001846.4 (MANE Select); 14 bases into the intron after coding-DNA position 1339, A replaced by G.
Molecular consequence: intron variant.
Genome position (GRCh38, 1-based): chr13:110,450,468, A>G. VCF-style: chr13-110450468-A-G. GRCh37 (hg19) VCF-style: chr13-111102815-A-G.
Identifiers: ClinVar variation 311125 (VCV000311125.12), dbSNP rs368543918, ClinGen allele CA7049379.

ClinVar aggregate classification (germline): Benign. Review status: criteria provided, multiple submitters, no conflicts (2 of 4 stars). 2 submissions from 2 submitters: Benign (2). Last evaluated 2025-09-10.

Conditions:
Brain small vessel disease 2A, autosomal dominant. Also called: Porencephaly 2. Identifiers: Orphanet 2940, Orphanet 99810, MedGen C3280970, MONDO:0013773, OMIM 614483.

Allele frequency attached by ClinVar (database versions not stated): gnomAD 0.00001 and 0.00029; TOPMed 0.00008; gnomAD exomes 0.00054 and 0.00117; ExAC 0.00125; 1000 Genomes Project 0.00220; 1000 Genomes Project 30x 0.00250.
gnomAD v4.1: 840 of 1,613,014 alleles (0.052%); highest among the groups gnomAD compares: South Asian, 0.87%; 13 homozygotes.

Submissions (2):

Labcorp Genetics (formerly Invitae), Labcorp
Classification: Benign. Last evaluated: 2025-09-10. Review status: criteria provided, single submitter. Criteria: Invitae Variant Classification Sherloc (09022015). Collection method: clinical testing. Allele origin: germline.

Illumina Laboratory Services, Illumina
Classification: Benign for Brain small vessel disease 2A, autosomal dominant. Last evaluated: 2018-01-13. Review status: criteria provided, single submitter. Criteria: ICSL Variant Classification Criteria 13 December 2019. Collection method: clinical testing. Allele origin: germline.
Comment: This variant was observed in the ICSL laboratory as part of a predisposition screen in an ostensibly healthy population. It had not been previously curated by ICSL or reported in the Human Gene Mutation Database (HGMD: prior to June 1st, 2018), and was therefore a candidate for classification through an automated scoring system. Utilizing variant allele frequency, disease prevalence and penetrance estimates, and inheritance mode, an automated score was calculated to assess if this variant is too frequent to cause the disease. Based on the score and internal cut-off values, a variant classified as benign is not then subjected to further curation. The score for this variant resulted in a classification of benign for this disease.